The following is an entry in ClinVar:

NM_001025389.2(AMPD3):c.1434C>T (p.Asp478=)

Gene: AMPD3 (adenosine monophosphate deaminase 3; plus strand). Cytogenetic location: 11p15.4.
Variant type: single nucleotide variant.
Coding change: c.1434C>T on transcript NM_001025389.2 (MANE Select); coding-DNA position 1434, C replaced by T.
Protein change: p.Asp478=; no amino-acid change (aspartic acid 478 retained).
Molecular consequence: synonymous variant.
Genome position (GRCh38, 1-based): chr11:10,496,815, C>T. VCF-style: chr11-10496815-C-T. GRCh37 (hg19) VCF-style: chr11-10518362-C-T.
Other names: c.1461C>T, p.Asp487= (NM_000480.3); c.1455C>T, p.Asp485= (NM_001025390.2); c.1434C>T, p.Asp478= (NM_001172430.1); c.957C>T, p.Asp319= (NM_001172431.2).
Identifiers: ClinVar variation 3350596 (VCV003350596.1).

ClinVar aggregate classification (germline): Likely benign (0 of 4 stars; one submission).

Conditions:
AMPD3-related disorder. Also called: AMPD3-related condition.

gnomAD v4.1: 19 of 1,614,014 alleles (0.0012%); highest among the groups gnomAD compares: Middle Eastern, 0.016%; no homozygotes.

Submission:

PreventionGenetics, part of Exact Sciences
Classification: Likely benign for AMPD3-related condition. Last evaluated: 2019-07-12. Review status: no assertion criteria provided. Collection method: clinical testing. Allele origin: germline.
Comment: This variant is classified as likely benign based on ACMG/AMP sequence variant interpretation guidelines (Richards et al. 2015 PMID: 25741868, with internal and published modifications).